The following is an entry in ClinVar:

NM_005612.5(REST):c.532A>T (p.Ile178Phe)

Gene: REST (RE1 silencing transcription factor; plus strand). Cytogenetic location: 4q12.
Variant type: single nucleotide variant.
Coding change: c.532A>T on transcript NM_005612.5 (MANE Select); coding-DNA position 532, A replaced by T.
Protein change: p.Ile178Phe; replaces isoleucine 178 with phenylalanine.
Molecular consequence: missense variant.
Genome position (GRCh38, 1-based): chr4:56,911,170, A>T. VCF-style: chr4-56911170-A-T. GRCh37 (hg19) VCF-style: chr4-57777336-A-T.
Other names: c.532A>T, p.Ile178Phe (NM_001193508.2, NM_001363453.3); short protein forms I178F.
Identifiers: ClinVar variation 1392983 (VCV001392983.10), dbSNP rs766763031, ClinGen allele CA357004240.

ClinVar aggregate classification (germline): Uncertain significance. Review status: criteria provided, multiple submitters, no conflicts (2 of 4 stars). 3 submissions from 3 submitters: Uncertain significance (3). Last evaluated 2026-10-01.

Conditions:
Inborn genetic diseases. Identifiers: MedGen C0950123, MeSH D030342.
Wilms tumor 6 (WT6). Also called: WILMS TUMOR 6, SUSCEPTIBILITY TO. Identifiers: Orphanet 654, MedGen C3891301, MONDO:0014779, OMIM 616806.

Allele frequency attached by ClinVar (database versions not stated): TOPMed below 0.00001; gnomAD 0.00001.
gnomAD v4.1: 22 of 1,614,108 alleles (0.0014%); highest among the groups gnomAD compares: Non-Finnish European, 0.0019%; no homozygotes.

Submissions (3):

St. Jude Molecular Pathology, St. Jude Children's Research Hospital
Classification: Uncertain significance for Wilms tumor 6. Last evaluated: 2026-10-01. Review status: criteria provided, single submitter. Criteria: St. Jude Assertion Criteria 2020. Collection method: clinical testing. Allele origin: germline.
Comment: The REST c.532A>T p.(Ile178Phe) missense change has a maximum subpopulation frequency of 0.0009% in gnomAD v2.1.1. The in silico tool REVEL predicts a benign effect on protein function, but to our knowledge this prediction has not been confirmed by functional studies. To our knowledge, this variant has not been reported in individuals with Wilms tumor. In summary, the evidence currently available is insufficient to determine the clinical significance of this variant. It has therefore been classified as of uncertain significance.

Labcorp Genetics (formerly Invitae), Labcorp
Classification: Uncertain significance. Last evaluated: 2025-03-09. Review status: criteria provided, single submitter. Criteria: Invitae Variant Classification Sherloc (09022015). Collection method: clinical testing. Allele origin: germline.
Comment: This sequence change replaces isoleucine, which is neutral and non-polar, with phenylalanine, which is neutral and non-polar, at codon 178 of the REST protein (p.Ile178Phe). This variant is present in population databases (no rsID available, gnomAD 0.0009%). This variant has not been reported in the literature in individuals affected with REST-related conditions. ClinVar contains an entry for this variant (Variation ID: 1392983). An algorithm developed to predict the effect of missense changes on protein structure and function (PolyPhen-2) suggests that this variant is likely to be disruptive. In summary, the available evidence is currently insufficient to determine the role of this variant in disease. Therefore, it has been classified as a Variant of Uncertain Significance.

Ambry Genetics
Classification: Uncertain significance for Inborn genetic diseases. Last evaluated: 2023-06-12. Review status: criteria provided, single submitter. Criteria: Ambry Variant Classification Scheme 2023. Collection method: clinical testing. Allele origin: germline.